The following is an entry in ClinVar:

NM_024334.3(TMEM43):c.706-3del

Gene: TMEM43 (transmembrane protein 43; plus strand). Cytogenetic location: 3p25.1.
Variant type: Deletion.
Coding change: c.706-3del on transcript NM_024334.3 (MANE Select); 3 bases into the intron before coding-DNA position 706, one base deleted (C; older notation c.706-3delC).
Molecular consequence: intron variant.
Genome position (GRCh38, 1-based): chr3:14,135,155, C deleted; the last of 5 consecutive C bases (chr3:14,135,151-14,135,155); deleting any one gives the same sequence. VCF-style (leftmost placement, unchanged base first): chr3-14135150-AC-A. GRCh37 (hg19) VCF-style: chr3-14176650-AC-A.
Identifiers: ClinVar variation 2055741 (VCV002055741.5), dbSNP rs1363776385, ClinGen allele CA2580068572.

ClinVar aggregate classification (germline): Conflicting classifications of pathogenicity. Review status: criteria provided, conflicting classifications (1 of 4 stars). 2 submissions from 2 submitters: Uncertain significance (1); Benign (1). Last evaluated 2023-07-19.

Conditions:
Arrhythmogenic right ventricular dysplasia 5. Also called: Arrhythmogenic Right Ventricular Dysplasia/Cardiomyopathy 5; ARRHYTHMOGENIC RIGHT VENTRICULAR DYSPLASIA, FAMILIAL, 5. Identifiers: MedGen C1858379, MONDO:0011459, OMIM 604400.

Submissions (2):

All of Us Research Program, National Institutes of Health
Classification: Uncertain significance for Arrhythmogenic right ventricular dysplasia 5. Last evaluated: 2023-07-19. Review status: criteria provided, single submitter. Criteria: ACMG Guidelines, 2015. Collection method: clinical testing. Allele origin: germline. Inheritance: Autosomal dominant inheritance. Observed: 1 variant allele, 1 heterozygote.
Comment: This variant causes deletion of one nucleotide in intron 8 of the TMEM43 gene. To our knowledge, functional studies have not been reported for this variant. This variant has not been reported in individuals affected with TMEM43-related disorders in the literature. This variant has not been identified in the general population by the Genome Aggregation Database (gnomAD). The available evidence is insufficient to determine the role of this variant in disease conclusively. Therefore, this variant is classified as a Variant of Uncertain Significance.

This study involves interpretation of variants in research participants for the purpose of population health screening. Participant phenotype was not available at the time of variant classification. Additional details can be found in publication PMID: 35346344, PMCID: PMC8962531

Labcorp Genetics (formerly Invitae), Labcorp
Classification: Benign for Arrhythmogenic right ventricular dysplasia 5. Last evaluated: 2021-12-23. Review status: criteria provided, single submitter. Criteria: Invitae Variant Classification Sherloc (09022015). Collection method: clinical testing. Allele origin: germline.